The following is an entry in ClinVar:

ClinVar aggregate classification (germline): Uncertain significance (1 of 4 stars; one submission).

Conditions:
Landau-Kleffner syndrome (FESD). Also called: EPILEPSY, FOCAL, WITH SPEECH DISORDER AND WITH OR WITHOUT MENTAL RETARDATION; APHASIA, ACQUIRED, WITH EPILEPSY. Identifiers: Orphanet 1945, Orphanet 725, Orphanet 98818, MedGen C0282512, MONDO:0009509, OMIM 245570.

Allele frequency attached by ClinVar (database versions not stated): TOPMed below 0.00001; gnomAD 0.00001.
gnomAD v4.1: 2 of 1,613,792 alleles (0.00012%); highest among the groups gnomAD compares: Admixed American, 0.0017%; no homozygotes.

Submission:

Labcorp Genetics (formerly Invitae), Labcorp
Classification: Uncertain significance for Landau-Kleffner syndrome. Last evaluated: 2025-08-25. Review status: criteria provided, single submitter. Criteria: Invitae Variant Classification Sherloc (09022015). Collection method: clinical testing. Allele origin: germline.
Comment: This sequence change replaces lysine, which is basic and polar, with asparagine, which is neutral and polar, at codon 1083 of the GRIN2A protein (p.Lys1083Asn). This variant is present in population databases (no rsID available, gnomAD 0.003%). This variant has not been reported in the literature in individuals affected with GRIN2A-related conditions. ClinVar contains an entry for this variant (Variation ID: 1720405). Invitae Evidence Modeling of protein sequence and biophysical properties (such as structural, functional, and spatial information, amino acid conservation, physicochemical variation, residue mobility, and thermodynamic stability) has been performed for this missense variant. However, the output from this modeling did not meet the statistical confidence thresholds required to predict the impact of this variant on GRIN2A protein function. In summary, the available evidence is currently insufficient to determine the role of this variant in disease. Therefore, it has been classified as a Variant of Uncertain Significance.

NM_001134407.3(GRIN2A):c.3249G>T (p.Lys1083Asn)

Gene: GRIN2A (glutamate ionotropic receptor NMDA type subunit 2A; minus strand). Cytogenetic location: 16p13.2.
Variant type: single nucleotide variant.
Coding change: c.3249G>T on transcript NM_001134407.3 (MANE Select); coding-DNA position 3249, G replaced by T.
Protein change: p.Lys1083Asn; replaces lysine 1083 with asparagine.
Molecular consequence: missense variant.
Genome position (GRCh38, 1-based): chr16:9,764,295, C>A on the plus strand (G>T on the coding strand, the complement: GRIN2A is on the minus strand). VCF-style: chr16-9764295-C-A. GRCh37 (hg19) VCF-style: chr16-9858152-C-A.
Other names: c.3249G>T, p.Lys1083Asn (NM_000833.5, NM_001134408.2); short protein forms K1083N.
Identifiers: ClinVar variation 1720405 (VCV001720405.5), dbSNP rs764204930, ClinGen allele CA394708282.